The following is an entry in ClinVar:

ClinVar aggregate classification (germline): Uncertain significance. Review status: criteria provided, multiple submitters, no conflicts (2 of 4 stars). 2 submissions from 2 submitters: Uncertain significance (2). Last evaluated 2024-04-18.

Conditions:
Cystinuria (CSNU). Also called: CYSTINURIA, TYPE I; CYSTINURIA, TYPE II; CYSTINURIA, TYPE III; Cystinuria, non-type I. Identifiers: Orphanet 214, MedGen C0010691, MONDO:0009067, OMIM 220100, HP:0003131.

Allele frequency attached by ClinVar (database versions not stated): ExAC 0.00007; gnomAD exomes 0.00007; 1000 Genomes Project 30x 0.00016; gnomAD 0.00019; 1000 Genomes Project 0.00020; TOPMed 0.00020; ESP Exome Variant Server 0.00023.
gnomAD v4.1: 75 of 1,613,924 alleles (0.0046%); highest among the groups gnomAD compares: African/African-American, 0.059%; no homozygotes.

Submissions (2):

Fulgent Genetics
Classification: Uncertain significance for Cystinuria. Last evaluated: 2024-04-18. Review status: criteria provided, single submitter. Criteria: ACMG Guidelines, 2015. Collection method: clinical testing. Allele origin: germline.

Labcorp Genetics (formerly Invitae), Labcorp
Classification: Uncertain significance for Cystinuria. Last evaluated: 2021-04-24. Review status: criteria provided, single submitter. Criteria: Invitae Variant Classification Sherloc (09022015). Collection method: clinical testing. Allele origin: germline.
Comment: This sequence change replaces arginine with tryptophan at codon 301 of the SLC3A1 protein (p.Arg301Trp). The arginine residue is weakly conserved and there is a moderate physicochemical difference between arginine and tryptophan. In summary, the available evidence is currently insufficient to determine the role of this variant in disease. Therefore, it has been classified as a Variant of Uncertain Significance. Algorithms developed to predict the effect of missense changes on protein structure and function are either unavailable or do not agree on the potential impact of this missense change (SIFT: "Deleterious"; PolyPhen-2: "Possibly Damaging"; Align-GVGD: "Class C0"). This variant has not been reported in the literature in individuals with SLC3A1-related conditions. This variant is present in population databases (rs200001296, ExAC 0.03%).

NM_000341.4(SLC3A1):c.901C>T (p.Arg301Trp)

Gene: SLC3A1 (solute carrier family 3 member 1; plus strand). Cytogenetic location: 2p21.
Variant type: single nucleotide variant.
Coding change: c.901C>T on transcript NM_000341.4 (MANE Select); coding-DNA position 901, C replaced by T.
Protein change: p.Arg301Trp; replaces arginine 301 with tryptophan.
Molecular consequence: missense variant.
Genome position (GRCh38, 1-based): chr2:44,299,980, C>T. VCF-style: chr2-44299980-C-T. GRCh37 (hg19) VCF-style: chr2-44527119-C-T.
Other names: short protein forms R301W.
Identifiers: ClinVar variation 1433328 (VCV001433328.9), dbSNP rs200001296, ClinGen allele CA1640328.
Genomic context (GRCh38, chr2:44,299,980, plus strand): 5'-GTGATAATAACGTAGTTAATGTAACCAAGCATTTTGCTTCTTCATCTTTAGGAAATTTTA[C>T]GGTTCTGGCTCACAAAGGGTGTTGATGGTTTTAGTTTGGATGCTGTTAAATTCCTCCTAG-3'
Protein context (NP_000332.2, residues 291-311): DVQEEIKEIL[Arg301Trp]FWLTKGVDGF